The following is an entry in ClinVar:

NM_000344.4(SMN1):c.490C>A (p.Gln164Lys)

Gene: SMN1 (survival of motor neuron 1, telomeric). Cytogenetic location: 5q13.2.
Variant type: single nucleotide variant.
Coding change: c.490C>A on transcript NM_000344.4 (MANE Select); coding-DNA position 490, C replaced by A.
Protein change: p.Gln164Lys; replaces glutamine 164 with lysine.
Molecular consequence: missense variant.
Genome position (GRCh38, 1-based): chr5:70,942,733, C>A. VCF-style: chr5-70942733-C-A. GRCh37 (hg19) VCF-style: chr5-70238560-C-A.
Other names: c.490C>A, p.Gln164Lys (NM_001297715.1, NM_022874.2); short protein forms Q164K.
Identifiers: ClinVar variation 634937 (VCV000634937.6), dbSNP rs1561499713, ClinGen allele CA360095061.
Genomic context (GRCh38, chr5:70,942,733, plus strand): 5'-ATCACACCCTTATAACAAAAACCTGCATATTTTTTCTTTTTAAAGAATGAAAATGAAAGC[C>A]AAGTTTCAACAGATGAAAGTGAGAACTCCAGGTCTCCTGGAAATAAATCAGATAACATCA-3'
Protein context (NP_000335.1, residues 154-174): QNAQENENES[Gln164Lys]VSTDESENSR

ClinVar aggregate classification (germline): Uncertain significance. Review status: criteria provided, multiple submitters, no conflicts (2 of 4 stars). 2 submissions from 2 submitters: Uncertain significance (2). Last evaluated 2024-05-21.

Conditions:
Werdnig-Hoffmann disease (SMA1). Also called: MUSCULAR ATROPHY, INFANTILE; SMA I; SMA, INFANTILE ACUTE FORM; HMN (Hereditary Motor Neuropathy) Proximal Type I. Identifiers: Orphanet 83330, MedGen C5848259, MONDO:0009669, OMIM 253300. Disease mechanism: loss of function.

Submissions (2):

Athena Diagnostics
Classification: Uncertain significance. Last evaluated: 2024-05-21. Review status: criteria provided, single submitter. Criteria: Athena Diagnostics Criteria. Collection method: clinical testing. Allele origin: unknown.
Comment: Available data are insufficient to determine the clinical significance of the variant at this time. In multiple individuals, this variant has been seen where an alternate explanation for disease was also identified, suggesting this variant is unlikely to cause disease. Polyphen and MutationTaster predict this amino acid change may be benign. Frequency data for this variant in the general population cannot be distinguished from that of the SMN2 gene, and is therefore uninformative in assessment of variant pathogenicity (Genome Aggregation Database (gnomAD), Cambridge, MA (URL)).

Molecular Diagnostics Lab, Nemours Children's Health, Delaware
Classification: Uncertain significance for Werdnig-Hoffmann disease. Last evaluated: 2016-03-01. Review status: criteria provided, single submitter. Criteria: ACMG Guidelines, 2015. Collection method: clinical testing. Allele origin: paternal, unknown. Affected: yes and no. Observed: 2 variant alleles.